The following is an entry in ClinVar:

NM_000104.4(CYP1B1):c.353C>G (p.Pro118Arg)

Gene: CYP1B1 (cytochrome P450 family 1 subfamily B member 1; minus strand). Cytogenetic location: 2p22.2.
Variant type: single nucleotide variant.
Coding change: c.353C>G on transcript NM_000104.4 (MANE Select); coding-DNA position 353, C replaced by G.
Protein change: p.Pro118Arg; replaces proline 118 with arginine.
Molecular consequence: missense variant.
Genome position (GRCh38, 1-based): chr2:38,075,036, G>C on the plus strand (C>G on the coding strand, the complement: CYP1B1 is on the minus strand). VCF-style: chr2-38075036-G-C. GRCh37 (hg19) VCF-style: chr2-38302179-G-C.
Other names: short protein forms P118R.
Identifiers: ClinVar variation 4535961 (VCV004535961.2).

ClinVar aggregate classification (germline): Uncertain significance. Review status: reviewed by expert panel (3 of 4 stars). 2 submissions from 2 submitters: Uncertain significance (1). 1 of the submissions does not count toward it. Last evaluated 2026-10-12.

Conditions:
Primary congenital glaucoma. Also called: Primary congenital glaucoma (disease). Identifiers: MedGen C1533041, MONDO:0000365, HP:0008007.
CYP1B1-related glaucoma with or without anterior segment dysgenesis. Identifiers: MedGen CN375931, MONDO:0800472.

Submissions (2):

ClinGen Glaucoma Variant Curation Expert Panel
Classification: Uncertain significance for CYP1B1-related glaucoma with or without anterior segment dysgenesis. Last evaluated: 2026-10-12. Review status: reviewed by expert panel. Criteria: ClinGen Glaucoma ACMG Specifications CYP1B1 V2.0. Collection method: curation. Allele origin: germline. Inheritance: Autosomal recessive inheritance.
Comment: The c.353C>G variant in CYP1B1 is a missense variant predicted to cause substitution of Proline by Arginine at amino acid 118 (p.Pro118Arg). This variant was not found in any genetic ancestry group of gnomAD (v4.1), meeting the ≤ 0.0005 threshold set for PM2_Supporting in a genetic ancestry group of at least 2,000 alleles. The REVEL score = 0.761, which was within the 0.644-0.772 range for PP3, predicting a damaging effect on CYP1B1 function. There was no functional evidence predicting a damaging or benign impact of this variant on CYP1B1 function. 1 affected segregation with a CYP1B1-related phenotype has been reported (PMID: 34019190), which fulfilled PP1. This variant has been identified in an individual with a CYP1B1-related phenotype. In summary, this variant met the criteria to receive a score of 3 and to be classified as a variant of uncertain significance (uncertain significance classification range -1 to 5, adapted from PMID: 32720330) for CYP1B1-related glaucoma with or without anterior segment dysgenesis (ASD) based on the ACMG/AMP criteria met, as specified by the ClinGen Glaucoma VCEP (v2.0, 16.07.2026): PP1, PP3, PM2_Supporting

Women's Health and Genetics/Laboratory Corporation of America, LabCorp
Classification: Likely pathogenic for Primary congenital glaucoma. Last evaluated: 2025-09-25. Review status: criteria provided, single submitter. Criteria: LabCorp Variant Classification Summary - May 2015. Collection method: clinical testing. Allele origin: germline. Not counted in ClinVar's aggregate classification.
Comment: Variant summary: CYP1B1 c.353C>G (p.Pro118Arg) results in a non-conservative amino acid change in the encoded protein sequence. Algorithms developed to predict the effect of missense changes on protein structure and function all suggest that this variant is likely to be disruptive. The variant was absent in 204628 control chromosomes. c.353C>G has been observed in homozygous individuals affected with Primary Congenital Glaucoma (e.g. Emamalizadeh_2021). These data indicate that the variant is likely to be associated with disease. To our knowledge, no experimental evidence demonstrating an impact on protein function has been reported. The following publication has been ascertained in the context of this evaluation (PMID: 34019190). No submitters have cited clinical-significance assessments for this variant to ClinVar. Based on the evidence outlined above, the variant was classified as likely pathogenic.

Literature cited by the submitters: PubMed 34019190 (cited by Women's Health and Genetics/Laboratory Corporation of America, LabCorp).